The following is an entry in ClinVar:

ClinVar aggregate classification (germline): Uncertain significance (1 of 4 stars; one submission).

Conditions:
Neurodevelopmental disorder with dysmorphic facies and distal skeletal anomalies. Identifiers: MedGen C5231448, MONDO:0032855, OMIM 618659.

Allele frequency attached by ClinVar (database versions not stated): gnomAD exomes below 0.00001.
gnomAD v4.1: 1 of 1,602,878 alleles (0.000062%); highest among the groups gnomAD compares: Non-Finnish European, 0.000085%; no homozygotes.

Submission:

New York Genome Center
Classification: Uncertain significance for Neurodevelopmental disorder with dysmorphic facies and distal skeletal anomalies. Last evaluated: 2020-06-18. Review status: criteria provided, single submitter. Criteria: NYGC Assertion Criteria 2020. Collection method: clinical testing. Allele origin: inherited. Observed: 1 heterozygote. Study: CSER-NYCKidSeq.
Comment: The inherited c.957+3A>G splice-region variant is located in intron 11 (of 24) of the ZMIZ1 gene and is predicted by multiple in silico tools to alter normal mRNA splicing. This variant has not been reported in the affected individuals in the literature. The variantis absent from gnomAD(v3) database indicating it is an extremely rare allele in the general population. The c.957+3A>G variant affects a conserved nucleotide. Functional studies are required to evaluate the potential pathogenicity of this variant. Based on the available evidence, the inherited c.957+3A>G splice-region variant in the ZMIZ1 gene is assessed as a variant of uncertain significance.

NM_020338.4(ZMIZ1):c.957+3A>G

Gene: ZMIZ1 (zinc finger MIZ-type containing 1; plus strand). Cytogenetic location: 10q22.3.
Variant type: single nucleotide variant.
Coding change: c.957+3A>G on transcript NM_020338.4 (MANE Select); 3 bases into the intron after coding-DNA position 957, A replaced by G.
Molecular consequence: intron variant.
Genome position (GRCh38, 1-based): chr10:79,292,359, A>G. VCF-style: chr10-79292359-A-G. GRCh37 (hg19) VCF-style: chr10-81052116-A-G.
Identifiers: ClinVar variation 1341934 (VCV001341934.1), dbSNP rs2132033341, ClinGen allele CA2573053315.
Genomic context (GRCh38, chr10:79,292,359, plus strand): 5'-GGCCACTGTGGCAGCCCTGCAGGAGACACAGAACAAGGATATAAACCAGTATGGACCGGT[A>G]AGGGTTCCCACTAATCCTGGTCCAGCCTTGCCCAGCCAGCCAGGCAGACAGCCCTGGGAA-3'